The following is an entry in ClinVar:

ClinVar aggregate classification (germline): Uncertain significance (1 of 4 stars; one submission).

Allele frequency attached by ClinVar (database versions not stated): gnomAD exomes below 0.00001.
gnomAD v4.1: 1 of 1,609,538 alleles (0.000062%); highest among the groups gnomAD compares: Non-Finnish European, 0.000085%; no homozygotes.

Submission:

Labcorp Genetics (formerly Invitae), Labcorp
Classification: Uncertain significance. Last evaluated: 2023-11-22. Review status: criteria provided, single submitter. Criteria: Invitae Variant Classification Sherloc (09022015). Collection method: clinical testing. Allele origin: germline.
Comment: This sequence change replaces lysine, which is basic and polar, with arginine, which is basic and polar, at codon 641 of the TOP2B protein (p.Lys641Arg). This variant is not present in population databases (gnomAD no frequency). This variant has not been reported in the literature in individuals affected with TOP2B-related conditions. An algorithm developed to predict the effect of missense changes on protein structure and function (PolyPhen-2) suggests that this variant is likely to be disruptive. In summary, the available evidence is currently insufficient to determine the role of this variant in disease. Therefore, it has been classified as a Variant of Uncertain Significance.

NM_001330700.2(TOP2B):c.1937A>G (p.Lys646Arg)

Gene: TOP2B (DNA topoisomerase II beta; minus strand). Cytogenetic location: 3p24.2.
Variant type: single nucleotide variant.
Coding change: c.1937A>G on transcript NM_001330700.2 (MANE Select); coding-DNA position 1937, A replaced by G.
Protein change: p.Lys646Arg; replaces lysine 646 with arginine.
Molecular consequence: missense variant.
Genome position (GRCh38, 1-based): chr3:25,627,266, T>C on the plus strand (A>G on the coding strand, the complement: TOP2B is on the minus strand). VCF-style: chr3-25627266-T-C. GRCh37 (hg19) VCF-style: chr3-25668757-T-C.
Other names: c.1922A>G, p.Lys641Arg (NM_001068.3); short protein forms K646R, K641R.
Identifiers: ClinVar variation 3012305 (VCV003012305.3), dbSNP rs2470345322, ClinGen allele CA351906684.
Genomic context (GRCh38, chr3:25,627,266, plus strand): 5'-TCTTCAGGACCAGCATATCTAAACAAGATGCGATGCCTTTCCATATCAGCAAAATATTCC[T>C]TTGCTTCTTTAGCTGTACTAGTACCCAATCCTGCACAATTTTAAAAATAAAAGTGAGTCA-3'
Protein context (NP_001317629.1, residues 636-656): GLGTSTAKEA[Lys646Arg]EYFADMERHR